The following is an entry in ClinVar:

ClinVar aggregate classification (germline): Uncertain significance (1 of 4 stars; one submission).

Conditions:
Bethlem myopathy 1A. Also called: MYOPATHY, BENIGN CONGENITAL, WITH CONTRACTURES; Bethlem myopathy 1; Bethlem Muscular Dystrophy. Identifiers: Orphanet 610, MedGen CN029274, MONDO:0024530, OMIM 158810.

Submission:

Labcorp Genetics (formerly Invitae), Labcorp
Classification: Uncertain significance for Bethlem myopathy 1A. Last evaluated: 2022-07-06. Review status: criteria provided, single submitter. Criteria: Invitae Variant Classification Sherloc (09022015). Collection method: clinical testing. Allele origin: germline.
Comment: In summary, the available evidence is currently insufficient to determine the role of this variant in disease. Therefore, it has been classified as a Variant of Uncertain Significance. Advanced modeling of protein sequence and biophysical properties (such as structural, functional, and spatial information, amino acid conservation, physicochemical variation, residue mobility, and thermodynamic stability) performed at Invitae indicates that this missense variant is not expected to disrupt COL6A3 protein function. This variant has not been reported in the literature in individuals affected with COL6A3-related conditions. This variant is not present in population databases (gnomAD no frequency). This sequence change replaces valine, which is neutral and non-polar, with alanine, which is neutral and non-polar, at codon 148 of the COL6A3 protein (p.Val148Ala).

NM_004369.4(COL6A3):c.443T>C (p.Val148Ala)

Gene: COL6A3 (collagen type VI alpha 3 chain; minus strand). Cytogenetic location: 2q37.3.
Variant type: single nucleotide variant.
Coding change: c.443T>C on transcript NM_004369.4 (MANE Select); coding-DNA position 443, T replaced by C.
Protein change: p.Val148Ala; replaces valine 148 with alanine.
Molecular consequence: missense variant. On other transcripts: intron variant (4).
Genome position (GRCh38, 1-based): chr2:237,394,853, A>G on the plus strand (T>C on the coding strand, the complement: COL6A3 is on the minus strand). VCF-style: chr2-237394853-A-G. GRCh37 (hg19) VCF-style: chr2-238303496-A-G.
Other names: c.91+1874T>C (NM_057166.5, NM_057167.4, NM_057164.5 and 1 more transcripts); short protein forms V148A.
Identifiers: ClinVar variation 1953017 (VCV001953017.5), dbSNP rs2469973311, ClinGen allele CA351227014.
Genomic context (GRCh38, chr2:237,394,853, plus strand): 5'-GCAGACTTAAGTTCCGCTGAGGGCAGAGCAAGGCCATCCTTCGAGTGTCCATCAGTTAAC[A>G]CTACGATAACCTGAGGGACTCCGTCACCGGCCCGGCTTCCAGCAGCCTTGGTGAGGTGGC-3'
Protein context (NP_004360.2, residues 138-158): AGDGVPQVIV[Val148Ala]LTDGHSKDGL